The following is an entry in ClinVar:

ClinVar aggregate classification (germline): Pathogenic/Likely pathogenic. Review status: criteria provided, multiple submitters, no conflicts (2 of 4 stars). 4 submissions from 4 submitters: Pathogenic (2); Likely pathogenic (1). 1 of the submissions does not count toward it. Last evaluated 2024-06-05.

Conditions:
Hereditary cancer-predisposing syndrome. Also called: Hereditary Cancer Syndrome; Tumor predisposition; Neoplastic Syndromes, Hereditary; Hereditary neoplastic syndrome. Identifiers: Orphanet 140162, MedGen C0027672, MeSH D009386, MONDO:0015356.
Hereditary breast ovarian cancer syndrome. Also called: Hereditary breast and ovarian cancer syndrome (HBOC); Hereditary breast and/or ovarian cancer syndrome; BRCA1- and BRCA2-Associated Hereditary Breast and Ovarian Cancer; Hereditary breast and ovarian cancer syndrome; Hereditary breast and ovarian cancer; Breast and ovarian cancer. Identifiers: Orphanet 145, MedGen C0677776, MeSH D061325, MONDO:0003582. Disease mechanism: loss of function.
Familial cancer of breast. Also called: BREAST CANCER, FAMILIAL; Hereditary breast cancer; hereditary breast carcinoma. Identifiers: Orphanet 227535, MedGen C0346153, MONDO:0016419, OMIM 114480. Disease mechanism: loss of function.

Submissions (4):

Revvity Omics, Revvity
Classification: Likely pathogenic. Last evaluated: 2024-06-05. Review status: criteria provided, single submitter. Criteria: ACMG Guidelines, 2015. Collection method: clinical testing. Allele origin: germline.

Labcorp Genetics (formerly Invitae), Labcorp
Classification: Pathogenic for Hereditary breast ovarian cancer syndrome. Last evaluated: 2023-05-22. Review status: criteria provided, single submitter. Criteria: Invitae Variant Classification Sherloc (09022015). Collection method: clinical testing. Allele origin: germline.
Comment: For these reasons, this variant has been classified as Pathogenic. ClinVar contains an entry for this variant (Variation ID: 1012163). This premature translational stop signal has been observed in individual(s) with breast cancer (PMID: 31871109). This variant is not present in population databases (gnomAD no frequency). This sequence change creates a premature translational stop signal (p.Lys351Asnfs*16) in the BRCA2 gene. It is expected to result in an absent or disrupted protein product. Loss-of-function variants in BRCA2 are known to be pathogenic (PMID: 20104584).

Ambry Genetics
Classification: Pathogenic for Hereditary cancer-predisposing syndrome. Last evaluated: 2021-03-16. Review status: criteria provided, single submitter. Criteria: Ambry Variant Classification Scheme 2023. Collection method: clinical testing. Allele origin: germline.
Comment: The c.1053delA pathogenic mutation, located in coding exon 9 of the BRCA2 gene, results from a deletion of one nucleotide at nucleotide position 1053, causing a translational frameshift with a predicted alternate stop codon (p.K351Nfs*16). This mutation was detected in 1/196 women with breast cancer and 0/185 unaffected controls from Cameroon and Uganda (Adedokun B et al. Cancer Epidemiol Biomarkers Prev, 2020 02;29:359-367). This mutation was also identified in a cohort of African American and Ugandan prostate cancer patients (Matejcic M et al. JCO Precis Oncol, 2020 Jan;4:32-43). In addition to the clinical data presented in the literature, this alteration is expected to result in loss of function by premature protein truncation or nonsense-mediated mRNA decay. As such, this alteration is interpreted as a disease-causing mutation.

Genomic Center, National Cancer Institute
Classification: Pathogenic for Familial cancer of breast. Review status: no assertion criteria provided. Collection method: case-control. Allele origin: germline. Affected: yes. Not counted in ClinVar's aggregate classification.

Literature cited by the submitters: PubMed 31871109 (cited by Labcorp Genetics (formerly Invitae), Labcorp and Ambry Genetics); PubMed 20104584 (cited by Labcorp Genetics (formerly Invitae), Labcorp); PubMed 32832836 (cited by Ambry Genetics).

NM_000059.4(BRCA2):c.1053del (p.Lys351fs)

Gene: BRCA2 (BRCA2 DNA repair associated; plus strand). Cytogenetic location: 13q13.1.
Variant type: Deletion.
Coding change: c.1053del on transcript NM_000059.4 (MANE Select); coding-DNA position 1053, one base deleted (A; older notation c.1053delA).
Protein change: p.Lys351fs; shifts the reading frame from lysine 351.
Molecular consequence: frameshift variant.
Genome position (GRCh38, 1-based): chr13:32,332,531, A deleted; the last of 5 consecutive A bases (chr13:32,332,527-32,332,531); deleting any one gives the same sequence. VCF-style (leftmost placement, unchanged base first): chr13-32332526-GA-G. GRCh37 (hg19) VCF-style: chr13-32906663-GA-G.
Other names: c.1053del (NM_000059.3); c.1053delA (NM_000059.4, NM_000059.3); short protein forms K351fs.
Identifiers: ClinVar variation 1012163 (VCV001012163.13), dbSNP rs886040342, ClinGen allele CA2082764414.